The following is an entry in ClinVar:

NM_006922.4(SCN3A):c.1813G>A (p.Glu605Lys)

Gene: SCN3A (sodium voltage-gated channel alpha subunit 3; minus strand). Cytogenetic location: 2q24.3.
Variant type: single nucleotide variant.
Coding change: c.1813G>A on transcript NM_006922.4 (MANE Select); coding-DNA position 1813, G replaced by A.
Protein change: p.Glu605Lys; replaces glutamic acid 605 with lysine.
Molecular consequence: missense variant.
Genome position (GRCh38, 1-based): chr2:165,140,857, C>T on the plus strand (G>A on the coding strand, the complement: SCN3A is on the minus strand). VCF-style: chr2-165140857-C-T. GRCh37 (hg19) VCF-style: chr2-165997367-C-T.
Other names: c.1813G>A, p.Glu605Lys (NM_001081676.2, NM_001081677.2); short protein forms E605K.
Identifiers: ClinVar variation 948015 (VCV000948015.31), dbSNP rs755167692, ClinGen allele CA1939080.
Genomic context (GRCh38, chr2:165,140,857, plus strand): 5'-CGTTACTGTTGCGTCGCTCTCCATGTCTGTGCGGCACAAACAGTGAGTCTCTCCTGCTTT[C>T]GCTGTCTTCAAATGTGCTGTGTTCATCATCAGCAAAGTCATTTTCAGATCCAACATCCTT-3'
Protein context (NP_008853.3, residues 595-615): DDEHSTFEDS[Glu605Lys]SRRDSLFVPH

ClinVar aggregate classification (germline): Likely benign. Review status: criteria provided, multiple submitters, no conflicts (2 of 4 stars). 2 submissions from 2 submitters: Likely benign (2). Last evaluated 2026-08-01.

Allele frequency attached by ClinVar (database versions not stated): ExAC 0.00002; TOPMed 0.00004; gnomAD 0.00005 and 0.00006; gnomAD exomes 0.00002 and 0.00004.
gnomAD v4.1: 70 of 1,614,008 alleles (0.0043%); highest among the groups gnomAD compares: Non-Finnish European, 0.0058%; no homozygotes.

Submissions (2):

CeGaT Center for Human Genetics Tuebingen
Classification: Likely benign. Last evaluated: 2026-08-01. Review status: criteria provided, single submitter. Criteria: CeGaT Center For Human Genetics Tuebingen Variant Classification Criteria Version 2. Collection method: clinical testing. Allele origin: germline. Affected: yes. Observed: 2 variant alleles.
Comment: SCN3A: BS2

Labcorp Genetics (formerly Invitae), Labcorp
Classification: Likely benign. Last evaluated: 2025-02-20. Review status: criteria provided, single submitter. Criteria: Invitae Variant Classification Sherloc (09022015). Collection method: clinical testing. Allele origin: germline.